The following is an entry in ClinVar:

ClinVar aggregate classification (germline): Pathogenic (1 of 4 stars; one submission).

Conditions:
Loeys-Dietz syndrome 4 (LDS4). Also called: ANEURYSM, AORTIC AND CEREBRAL, WITH ARTERIAL TORTUOSITY AND SKELETAL MANIFESTATIONS; TGFB2-Related Loeys-Dietz Syndrome. Identifiers: MedGen C3553762, MONDO:0013897, OMIM 614816.

Submission:

Labcorp Genetics (formerly Invitae), Labcorp
Classification: Pathogenic for Loeys-Dietz syndrome 4. Last evaluated: 2023-06-17. Review status: criteria provided, single submitter. Criteria: Invitae Variant Classification Sherloc (09022015). Collection method: clinical testing. Allele origin: germline.
Comment: This sequence change creates a premature translational stop signal (p.Cys226*) in the TGFB2 gene. It is expected to result in an absent or disrupted protein product. Loss-of-function variants in TGFB2 are known to be pathogenic (PMID: 22772368, 22772371, 30739908). This variant is not present in population databases (gnomAD no frequency). This variant has not been reported in the literature in individuals affected with TGFB2-related conditions. For these reasons, this variant has been classified as Pathogenic.

Literature cited by the submitters: PubMed 22772368; PubMed 22772371; PubMed 30739908.

NM_003238.6(TGFB2):c.678T>A (p.Cys226Ter)

Gene: TGFB2 (transforming growth factor beta 2; plus strand). Cytogenetic location: 1q41.
Variant type: single nucleotide variant.
Coding change: c.678T>A on transcript NM_003238.6 (MANE Select); coding-DNA position 678, T replaced by A.
Protein change: p.Cys226Ter; replaces cysteine 226 with a stop codon.
Molecular consequence: nonsense. On other transcripts: non-coding transcript variant (2).
Genome position (GRCh38, 1-based): chr1:218,434,372, T>A. VCF-style: chr1-218434372-T-A. GRCh37 (hg19) VCF-style: chr1-218607714-T-A.
Other names: c.762T>A, p.Cys254Ter (NM_001135599.4); short protein forms C254*, C226*.
Identifiers: ClinVar variation 2730244 (VCV002730244.3), dbSNP rs2464865520, ClinGen allele CA344726800.